The following is an entry in ClinVar:

NM_024675.4(PALB2):c.2748+121T>C

Gene: PALB2 (partner and localizer of BRCA2; minus strand). Cytogenetic location: 16p12.2.
Variant type: single nucleotide variant.
Coding change: c.2748+121T>C on transcript NM_024675.4 (MANE Select); 121 bases into the intron after coding-DNA position 2748, T replaced by C.
Molecular consequence: intron variant.
Genome position (GRCh38, 1-based): chr16:23,626,115, A>G on the plus strand (T>C on the coding strand, the complement: PALB2 is on the minus strand). VCF-style: chr16-23626115-A-G. GRCh37 (hg19) VCF-style: chr16-23637436-A-G.
Identifiers: ClinVar variation 126677 (VCV000126677.3), dbSNP rs515726093, ClinGen allele CA269567.
Genomic context (GRCh38, chr16:23,626,115, plus strand): 5'-ATGGGTGCTCACTATACAACTTTTCTGGATGTTTGAAACTTTTCATAATAAAATGTTGGG[A>G]AAAAAACCTCATCTCTGTTCTGCCTTGCATGGTCATAGCTCCCAATTTTGGTAAGCTGCC-3'

ClinVar aggregate classification (germline): Likely benign (0 of 4 stars; one submission).

Conditions:
Familial cancer of breast. Also called: BREAST CANCER, FAMILIAL; hereditary breast carcinoma; Hereditary breast cancer. Identifiers: Orphanet 227535, MedGen C0346153, MONDO:0016419, OMIM 114480. Disease mechanism: loss of function.

Allele frequency attached by ClinVar (database versions not stated): gnomAD exomes 0.00016; 1000 Genomes Project 0.00080; 1000 Genomes Project 30x 0.00094; gnomAD 0.00120 and 0.00131; TOPMed 0.00135.
gnomAD v4.1: 346 of 1,175,784 alleles (0.029%); highest among the groups gnomAD compares: African/African-American, 0.42%; 1 homozygote.

Submission:

Leiden Open Variation Database
Classification: Likely benign for Familial cancer of breast. Last evaluated: 2019-05-13. Review status: no assertion criteria provided. Collection method: curation. Allele origin: germline. Affected: yes.
Comment: Curators: Marc Tischkowitz, Arleen D. Auerbach. Submitter to LOVD: Marc Tischkowitz.

Literature cited by the submitters: PubMed 21932393.